The following is an entry in ClinVar:

NM_213599.3(ANO5):c.*1313A>G

Gene: ANO5 (anoctamin 5; plus strand). Cytogenetic location: 11p14.3.
Variant type: single nucleotide variant.
Coding change: c.*1313A>G on transcript NM_213599.3 (MANE Select); 1313 bases downstream of the stop codon, A replaced by G.
Molecular consequence: 3 prime UTR variant.
Genome position (GRCh38, 1-based): chr11:22,281,078, A>G. VCF-style: chr11-22281078-A-G. GRCh37 (hg19) VCF-style: chr11-22302624-A-G.
Other names: c.*1313A>G (NM_001142649.2).
Identifiers: ClinVar variation 304131 (VCV000304131.10), dbSNP rs73483432, ClinGen allele CA10634437.

ClinVar aggregate classification (germline): Benign/Likely benign. Review status: criteria provided, multiple submitters, no conflicts (2 of 4 stars). 6 submissions from 4 submitters: Benign (5); Likely benign (1). Last evaluated 2021-12-05.

Conditions:
ANO5-Related Muscle Diseases. Identifiers: MedGen CN180644.
Miyoshi muscular dystrophy 3 (MMD3). Also called: Miyoshi Muscular Dystrophy 3 (MMD3); Miyoshi myopathy 3. Identifiers: Orphanet 399096, MedGen C2750076, MONDO:0013222, OMIM 613319.
Gnathodiaphyseal dysplasia (GDD). Also called: GNATHODIAPHYSEAL SCLEROSIS; OSTEOGENESIS IMPERFECTA WITH UNUSUAL SKELETAL LESIONS. Identifiers: Orphanet 53697, MedGen C1833736, MONDO:0008151, OMIM 166260.
Autosomal recessive limb-girdle muscular dystrophy type 2L (LGMDR12). Also called: Limb-girdle muscular dystrophy, type 2L; Limb-Girdle Muscular Dystrophy R12 Anoctamin-5-Related (LGMD-R12); MUSCULAR DYSTROPHY, LIMB-GIRDLE, AUTOSOMAL RECESSIVE 12. Identifiers: Orphanet 206549, MedGen C1969785, MONDO:0012652, OMIM 611307.

Allele frequency attached by ClinVar (database versions not stated): 1000 Genomes Project 0.08826; 1000 Genomes Project 30x 0.09104; gnomAD 0.09140 and 0.09785; TOPMed 0.10174.

Submissions (6):

Genome-Nilou Lab
Classification: Benign for Gnathodiaphyseal dysplasia. Last evaluated: 2021-12-05. Review status: criteria provided, single submitter. Criteria: ACMG Guidelines, 2015. Collection method: clinical testing. Allele origin: germline. Affected: no.

Genome-Nilou Lab
Classification: Benign for Miyoshi muscular dystrophy 3. Last evaluated: 2021-12-05. Review status: criteria provided, single submitter. Criteria: ACMG Guidelines, 2015. Collection method: clinical testing. Allele origin: germline. Affected: no.

Genome-Nilou Lab
Classification: Benign for Autosomal recessive limb-girdle muscular dystrophy type 2L. Last evaluated: 2021-12-05. Review status: criteria provided, single submitter. Criteria: ACMG Guidelines, 2015. Collection method: clinical testing. Allele origin: germline. Affected: no.

GeneDx
Classification: Benign. Last evaluated: 2021-05-10. Review status: criteria provided, single submitter. Criteria: GeneDx Variant Classification Process June 2021. Collection method: clinical testing. Allele origin: germline. Affected: yes.

Illumina Laboratory Services, Illumina
Classification: Benign for ANO5-Related Muscle Diseases. Last evaluated: 2018-01-12. Review status: criteria provided, single submitter. Criteria: ICSL Variant Classification Criteria 13 December 2019. Collection method: clinical testing. Allele origin: germline.
Comment: This variant was observed in the ICSL laboratory as part of a predisposition screen in an ostensibly healthy population. It had not been previously curated by ICSL or reported in the Human Gene Mutation Database (HGMD: prior to June 1st, 2018), and was therefore a candidate for classification through an automated scoring system. Utilizing variant allele frequency, disease prevalence and penetrance estimates, and inheritance mode, an automated score was calculated to assess if this variant is too frequent to cause the disease. Based on the score and internal cut-off values, a variant classified as benign is not then subjected to further curation. The score for this variant resulted in a classification of benign for this disease.

Breakthrough Genomics
Classification: Likely benign. Review status: criteria provided, single submitter. Criteria: ACMG Guidelines, 2015. Collection method: not provided. Allele origin: germline. Inheritance: Autosomal recessive inheritance. Affected: yes.